The following is an entry in ClinVar:

ClinVar aggregate classification (germline): Pathogenic (1 of 4 stars; one submission).

Conditions:
Juvenile polyposis syndrome (JPS). Identifiers: Orphanet 2929, MedGen C0345893, MONDO:0017380, OMIM 174900.

Submission:

Labcorp Genetics (formerly Invitae), Labcorp
Classification: Pathogenic for Juvenile polyposis syndrome. Last evaluated: 2022-03-02. Review status: criteria provided, single submitter. Criteria: Invitae Variant Classification Sherloc (09022015). Collection method: clinical testing. Allele origin: germline.
Comment: For these reasons, this variant has been classified as Pathogenic. Algorithms developed to predict the effect of sequence changes on RNA splicing suggest that this variant may create or strengthen a splice site. This variant has not been reported in the literature in individuals affected with SMAD4-related conditions. This variant is not present in population databases (gnomAD no frequency). This sequence change creates a premature translational stop signal (p.Trp99*) in the SMAD4 gene. It is expected to result in an absent or disrupted protein product. Loss-of-function variants in SMAD4 are known to be pathogenic (PMID: 16152648, 16436638, 22810475).

Literature cited by the submitters: PubMed 16152648; PubMed 16436638; PubMed 22810475.

NM_005359.6(SMAD4):c.296G>A (p.Trp99Ter)

Gene: SMAD4 (SMAD family member 4; plus strand). Cytogenetic location: 18q21.2.
Variant type: single nucleotide variant.
Coding change: c.296G>A on transcript NM_005359.6 (MANE Select); coding-DNA position 296, G replaced by A.
Protein change: p.Trp99Ter; replaces tryptophan 99 with a stop codon.
Molecular consequence: nonsense.
Genome position (GRCh38, 1-based): chr18:51,048,732, G>A. VCF-style: chr18-51048732-G-A. GRCh37 (hg19) VCF-style: chr18-48575102-G-A.
Other names: short protein forms W99*.
Identifiers: ClinVar variation 1442723 (VCV001442723.6), dbSNP rs2144405369, ClinGen allele CA402458264.